The following is an entry in ClinVar:

NM_170606.3(KMT2C):c.6754C>G (p.Gln2252Glu)

Gene: KMT2C (lysine methyltransferase 2C; minus strand). Cytogenetic location: 7q36.1.
Variant type: single nucleotide variant.
Coding change: c.6754C>G on transcript NM_170606.3 (MANE Select); coding-DNA position 6754, C replaced by G.
Protein change: p.Gln2252Glu; replaces glutamine 2252 with glutamic acid.
Molecular consequence: missense variant.
Genome position (GRCh38, 1-based): chr7:152,181,106, G>C on the plus strand (C>G on the coding strand, the complement: KMT2C is on the minus strand). VCF-style: chr7-152181106-G-C. GRCh37 (hg19) VCF-style: chr7-151878191-G-C.
Other names: short protein forms Q2252E.
Identifiers: ClinVar variation 1801197 (VCV001801197.1), dbSNP rs2129119665, ClinGen allele CA370091903.

ClinVar aggregate classification (germline): Uncertain significance (1 of 4 stars; one submission).

Submission:

GeneDx
Classification: Uncertain significance. Last evaluated: 2022-05-20. Review status: criteria provided, single submitter. Criteria: GeneDx Variant Classification Process June 2021. Collection method: clinical testing. Allele origin: germline. Affected: yes.
Comment: Not observed at significant frequency in large population cohorts (gnomAD); In silico analysis supports that this missense variant does not alter protein structure/function; Has not been previously published as pathogenic or benign to our knowledge